The following is an entry in ClinVar:

NM_001130009.3(GEN1):c.1642C>A (p.Leu548Ile)

Gene: GEN1 (GEN1 structure-specific endonuclease; plus strand). Cytogenetic location: 2p24.2.
Variant type: single nucleotide variant.
Coding change: c.1642C>A on transcript NM_001130009.3 (MANE Select); coding-DNA position 1642, C replaced by A.
Protein change: p.Leu548Ile; replaces leucine 548 with isoleucine.
Molecular consequence: missense variant.
Genome position (GRCh38, 1-based): chr2:17,780,854, C>A. VCF-style: chr2-17780854-C-A. GRCh37 (hg19) VCF-style: chr2-17962121-C-A.
Other names: c.1642C>A, p.Leu548Ile (NM_182625.5); c.1642C>A (NM_001130009.1); short protein forms L548I.
Identifiers: ClinVar variation 1058890 (VCV001058890.9), dbSNP rs371479875, ClinGen allele CA1540809.

ClinVar aggregate classification (germline): Uncertain significance. Review status: criteria provided, multiple submitters, no conflicts (2 of 4 stars). 2 submissions from 2 submitters: Uncertain significance (2). Last evaluated 2025-11-17.

Allele frequency attached by ClinVar (database versions not stated): ExAC 0.00012; ESP Exome Variant Server 0.00015; gnomAD exomes 0.00020; gnomAD 0.00026 and 0.00027.
gnomAD v4.1: 449 of 1,613,826 alleles (0.028%); highest among the groups gnomAD compares: Non-Finnish European, 0.036%; no homozygotes.

Submissions (2):

Labcorp Genetics (formerly Invitae), Labcorp
Classification: Uncertain significance. Last evaluated: 2025-11-17. Review status: criteria provided, single submitter. Criteria: Invitae Variant Classification Sherloc (09022015). Collection method: clinical testing. Allele origin: germline.
Comment: This sequence change replaces leucine, which is neutral and non-polar, with isoleucine, which is neutral and non-polar, at codon 548 of the GEN1 protein (p.Leu548Ile). This variant is present in population databases (rs371479875, gnomAD 0.04%). This variant has not been reported in the literature in individuals affected with GEN1-related conditions. ClinVar contains an entry for this variant (Variation ID: 1058890). An algorithm developed to predict the effect of missense changes on protein structure and function (PolyPhen-2) suggests that this variant is likely to be tolerated. In summary, the available evidence is currently insufficient to determine the role of this variant in disease. Therefore, it has been classified as a Variant of Uncertain Significance.

Ambry Genetics
Classification: Uncertain significance. Last evaluated: 2024-10-02. Review status: criteria provided, single submitter. Criteria: Ambry Variant Classification Scheme 2023. Collection method: clinical testing. Allele origin: germline.
Comment: The p.L548I variant (also known as c.1642C>A), located in coding exon 13 of the GEN1 gene, results from a C to A substitution at nucleotide position 1642. The leucine at codon 548 is replaced by isoleucine, an amino acid with highly similar properties. This amino acid position is conserved. In addition, this alteration is predicted to be tolerated by in silico analysis. Based on the available evidence, the clinical significance of this variant remains unclear.